The following is an entry in ClinVar:

ClinVar aggregate classification (germline): Uncertain significance (1 of 4 stars; one submission).

gnomAD v4.1: 1 of 1,612,884 alleles (0.000062%); highest among the groups gnomAD compares: Non-Finnish European, 0.000085%; no homozygotes.

Submission:

GeneDx
Classification: Uncertain significance. Last evaluated: 2024-09-06. Review status: criteria provided, single submitter. Criteria: GeneDx Variant Classification Process June 2021. Collection method: clinical testing. Allele origin: germline. Affected: yes.
Comment: Not observed at significant frequency in large population cohorts (gnomAD); In silico analysis supports that this missense variant has a deleterious effect on protein structure/function; Has not been previously published as pathogenic or benign to our knowledge

NM_007192.4(SUPT16H):c.2483C>T (p.Thr828Met)

Gene: SUPT16H (SPT16 homolog, facilitates chromatin remodeling subunit; minus strand). Cytogenetic location: 14q11.2.
Variant type: single nucleotide variant.
Coding change: c.2483C>T on transcript NM_007192.4 (MANE Select); coding-DNA position 2483, C replaced by T.
Protein change: p.Thr828Met; replaces threonine 828 with methionine.
Molecular consequence: missense variant.
Genome position (GRCh38, 1-based): chr14:21,357,934, G>A on the plus strand (C>T on the coding strand, the complement: SUPT16H is on the minus strand). VCF-style: chr14-21357934-G-A. GRCh37 (hg19) VCF-style: chr14-21826093-G-A.
Other names: short protein forms T828M.
Identifiers: ClinVar variation 3769864 (VCV003769864.1).